The following is an entry in ClinVar:

NM_000051.4(ATM):c.5866_5867insACTATGCAGAAA (p.Leu1956delinsHisTyrAlaGluIle)

Genes: ATM (ATM serine/threonine kinase; plus strand), C11orf65 (chromosome 11 open reading frame 65; minus strand). Cytogenetic location: 11q22.3.
Variant type: Insertion.
Coding change: c.5866_5867insACTATGCAGAAA on transcript NM_000051.4 (MANE Select); coding-DNA positions 5866 to 5867, ACTATGCAGAAA inserted.
Protein change: p.Leu1956delinsHisTyrAlaGluIle.
Molecular consequence: inframe indel. On other transcripts: intron variant (2).
Genome position: GRCh38 VCF-style: chr11-108310263-C-CACTATGCAGAAA. GRCh37 (hg19) VCF-style: chr11-108180990-C-CACTATGCAGAAA.
Other names: c.*39-1193_*39-1192insTTTCTGCATAGT (NM_001351110.2); c.5866_5867insACTATGCAGAAA, p.Leu1956delinsHisTyrAlaGluIle (NM_001351834.2); c.641-1193_641-1192insTTTCTGCATAGT (NM_001330368.2).
Identifiers: ClinVar variation 826020 (VCV000826020.6), dbSNP rs1591746305, ClinGen allele CA915947640.

ClinVar aggregate classification (germline): Uncertain significance (1 of 4 stars; one submission).

Conditions:
Hereditary cancer-predisposing syndrome. Also called: Tumor predisposition; Neoplastic Syndromes, Hereditary; Hereditary Cancer Syndrome; Hereditary neoplastic syndrome. Identifiers: Orphanet 140162, MedGen C0027672, MeSH D009386, MONDO:0015356.

Submission:

Ambry Genetics
Classification: Uncertain significance for Hereditary cancer-predisposing syndrome. Last evaluated: 2018-05-03. Review status: criteria provided, single submitter. Criteria: Ambry Variant Classification Scheme 2023. Collection method: clinical testing. Allele origin: germline.
Comment: The c.5866_5867ins12 variant (also known as p.L1956delinsHYAEI), located in coding exon 38 of the ATM gene, results from an in-frame 12 nucleotide (ACTATGCAGAAA) insertion at nucleotide positions 5866 to 5867. This results in the deletion of a leucine residue and insertion of 5 extra residues (His, Tyr, Ala, Glu, Ile) at codon 1956. Since supporting evidence is limited at this time, the clinical significance of this alteration remains unclear.